The following is an entry in ClinVar:

NM_000535.7(PMS2):c.850T>G (p.Ser284Ala)

Gene: PMS2 (PMS1 homolog 2, mismatch repair system component; minus strand). Cytogenetic location: 7p22.1.
Variant type: single nucleotide variant.
Coding change: c.850T>G on transcript NM_000535.7 (MANE Select); coding-DNA position 850, T replaced by G.
Protein change: p.Ser284Ala; replaces serine 284 with alanine.
Molecular consequence: missense variant. On other transcripts: 5 prime UTR variant (2), non-coding transcript variant (1).
Genome position (GRCh38, 1-based): chr7:5,995,587, A>C on the plus strand (T>G on the coding strand, the complement: PMS2 is on the minus strand). VCF-style: chr7-5995587-A-C. GRCh37 (hg19) VCF-style: chr7-6035218-A-C.
Other names: c.445T>G, p.Ser149Ala (NM_001018040.1, NM_001322003.2, NM_001322004.2 and 20 more transcripts); c.850T>G, p.Ser284Ala (NM_001322006.2, NM_001322014.2, NM_001406870.1 and 2 more transcripts); c.532T>G, p.Ser178Ala (NM_001322007.2, NM_001322008.2, NM_001406876.1 and 4 more transcripts); c.-84T>G (NM_001322011.2, NM_001322012.2); c.277T>G, p.Ser93Ala (NM_001322013.2, NM_001406909.1); c.541T>G, p.Ser181Ala (NM_001322015.2, NM_001406875.1, NM_001406877.1 and 6 more transcripts); c.1036T>G, p.Ser346Ala (NM_001406866.1); c.874T>G, p.Ser292Ala (NM_001406868.1); and 4 more; short protein forms S149A, S248A, S93A, S113A, S181A, S228A, S178A, S292A.
Identifiers: ClinVar variation 1763688 (VCV001763688.2), dbSNP rs2128775672, ClinGen allele CA366743492.

ClinVar aggregate classification (germline): Uncertain significance (1 of 4 stars; one submission).

Conditions:
Hereditary cancer-predisposing syndrome. Also called: Neoplastic Syndromes, Hereditary; Tumor predisposition; Hereditary Cancer Syndrome; Hereditary neoplastic syndrome. Identifiers: Orphanet 140162, MedGen C0027672, MeSH D009386, MONDO:0015356.

Submission:

Ambry Genetics
Classification: Uncertain significance for Hereditary cancer-predisposing syndrome. Last evaluated: 2022-03-02. Review status: criteria provided, single submitter. Criteria: Ambry Variant Classification Scheme 2023. Collection method: clinical testing. Allele origin: germline.
Comment: The p.S284A variant (also known as c.850T>G), located in coding exon 8 of the PMS2 gene, results from a T to G substitution at nucleotide position 850. The serine at codon 284 is replaced by alanine, an amino acid with similar properties. This amino acid position is conserved. In addition, this alteration is predicted to be tolerated by in silico analysis. Since supporting evidence is limited at this time, the clinical significance of this alteration remains unclear.